The following is an entry in ClinVar:

ClinVar aggregate classification (germline): Likely benign (0 of 4 stars; one submission).

Conditions:
HR-related disorder. Also called: HR-related condition; HR-related disorders. Identifiers: MedGen CN239293.

Submission:

PreventionGenetics, part of Exact Sciences
Classification: Likely benign for HR-related condition. Last evaluated: 2019-09-17. Review status: no assertion criteria provided. Collection method: clinical testing. Allele origin: germline.
Comment: This variant is classified as likely benign based on ACMG/AMP sequence variant interpretation guidelines (Richards et al. 2015 PMID: 25741868, with internal and published modifications).

NM_005144.5(HR):c.240C>A (p.Gly80=)

Gene: HR (HR lysine demethylase and nuclear receptor corepressor; minus strand). Cytogenetic location: 8p21.3.
Variant type: single nucleotide variant.
Coding change: c.240C>A on transcript NM_005144.5 (MANE Select); coding-DNA position 240, C replaced by A.
Protein change: p.Gly80=; no amino-acid change (glycine 80 retained).
Molecular consequence: synonymous variant.
Genome position (GRCh38, 1-based): chr8:22,128,931, G>T on the plus strand (C>A on the coding strand, the complement: HR is on the minus strand). VCF-style: chr8-22128931-G-T. GRCh37 (hg19) VCF-style: chr8-21986444-G-T.
Other names: c.240C>A, p.Gly80= (NM_018411.4).
Identifiers: ClinVar variation 3355080 (VCV003355080.1).